The following is an entry in ClinVar:

NM_004958.4(MTOR):c.4253+6C>T

Gene: MTOR (mechanistic target of rapamycin kinase; minus strand). Cytogenetic location: 1p36.22.
Variant type: single nucleotide variant.
Coding change: c.4253+6C>T on transcript NM_004958.4 (MANE Select); 6 bases into the intron after coding-DNA position 4253, C replaced by T.
Molecular consequence: intron variant.
Genome position (GRCh38, 1-based): chr1:11,199,252, G>A on the plus strand (C>T on the coding strand, the complement: MTOR is on the minus strand). VCF-style: chr1-11199252-G-A. GRCh37 (hg19) VCF-style: chr1-11259309-G-A.
Other names: c.4253+6C>T (LRG_734t1).
Identifiers: ClinVar variation 515677 (VCV000515677.1), dbSNP rs1553187230, ClinGen allele CA658795396.

ClinVar aggregate classification (germline): Likely benign (1 of 4 stars; one submission).

Submission:

GeneDx
Classification: Likely benign. Last evaluated: 2018-03-06. Review status: criteria provided, single submitter. Criteria: GeneDx Variant Classification (06012015). Collection method: clinical testing. Allele origin: germline. Affected: yes.
Comment: This variant is considered likely benign or benign based on one or more of the following criteria: it is a conservative change, it occurs at a poorly conserved position in the protein, it is predicted to be benign by multiple in silico algorithms, and/or has population frequency not consistent with disease.